The following is an entry in ClinVar:

ClinVar aggregate classification (germline): Uncertain significance. Review status: criteria provided, single submitter (1 of 4 stars). 2 submissions from 2 submitters: Uncertain significance (1). 1 of the submissions does not count toward it. Last evaluated 2018-10-24.

Conditions:
NOTCH1-related disorder. Also called: NOTCH1-related disorders; NOTCH1-related condition.
Adams-Oliver syndrome 5 (AOS5). Identifiers: Orphanet 974, MedGen C4014970, MONDO:0014459, OMIM 616028.

Allele frequency attached by ClinVar (database versions not stated): gnomAD exomes below 0.00001.
gnomAD v4.1: 1 of 1,613,372 alleles (0.000062%); highest among the groups gnomAD compares: Admixed American, 0.0017%; no homozygotes.

Submissions (2):

Labcorp Genetics (formerly Invitae), Labcorp
Classification: Uncertain significance for Adams-Oliver syndrome 5. Last evaluated: 2018-10-24. Review status: criteria provided, single submitter. Criteria: Invitae Variant Classification Sherloc (09022015). Collection method: clinical testing. Allele origin: germline.
Comment: In summary, the available evidence is currently insufficient to determine the role of this variant in disease. Therefore, it has been classified as a Variant of Uncertain Significance. Algorithms developed to predict the effect of missense changes on protein structure and function (SIFT, PolyPhen-2, Align-GVGD) all suggest that this variant is likely to be disruptive, but these predictions have not been confirmed by published functional studies and their clinical significance is uncertain. This variant has not been reported in the literature in individuals with NOTCH1-related disease. This variant is not present in population databases (ExAC no frequency). This sequence change replaces arginine with cysteine at codon 2004 of the NOTCH1 protein (p.Arg2004Cys). The arginine residue is highly conserved and there is a large physicochemical difference between arginine and cysteine.

PreventionGenetics, part of Exact Sciences
Classification: Uncertain significance for NOTCH1-related condition. Last evaluated: 2023-12-13. Review status: no assertion criteria provided. Collection method: clinical testing. Allele origin: germline. Not counted in ClinVar's aggregate classification.
Comment: The NOTCH1 c.6010C>T variant is predicted to result in the amino acid substitution p.Arg2004Cys. To our knowledge, this variant has not been reported in the literature or in a large population database, indicating this variant is rare. At this time, the clinical significance of this variant is uncertain due to the absence of conclusive functional and genetic evidence.

NM_017617.5(NOTCH1):c.6010C>T (p.Arg2004Cys)

Genes: NOTCH1 (notch receptor 1; minus strand), LOC126860794 (BRD4-independent group 4 enhancer GRCh37_chr9:139392592-139393791; plus strand). Cytogenetic location: 9q34.3.
Variant type: single nucleotide variant.
Coding change: c.6010C>T on transcript NM_017617.5 (MANE Select); coding-DNA position 6010, C replaced by T.
Protein change: p.Arg2004Cys; replaces arginine 2004 with cysteine.
Molecular consequence: missense variant.
Genome position (GRCh38, 1-based): chr9:136,499,184, G>A on the plus strand (C>T on the coding strand, the complement: NOTCH1 is on the minus strand). VCF-style: chr9-136499184-G-A. GRCh37 (hg19) VCF-style: chr9-139393636-G-A.
Other names: c.6010C>T, p.Arg2004Cys (LRG_1122t1); c.6010C>T (NM_017617.4); short protein forms R2004C.
Identifiers: ClinVar variation 652433 (VCV000652433.11), dbSNP rs1589054589, ClinGen allele CA375634549.
Genomic context (GRCh38, chr9:136,499,184, plus strand): 5'-CGGCGTTGACGTCGGCGTGTGAGTTGATGAGGTCCTCCAGCATGCCCTCCACGGCCAGGC[G>A]GGCAGCCAGGATCAGTGGCGTCGTGCCATCATGCATGCGGGCATCCAGGTCTGTGGCTCG-3'
Protein context (NP_060087.3, residues 1994-2014): DGTTPLILAA[Arg2004Cys]LAVEGMLEDL